The following is an entry in ClinVar:

ClinVar aggregate classification (germline): Likely benign. Review status: criteria provided, multiple submitters, no conflicts (2 of 4 stars). 4 submissions from 4 submitters: Likely benign (4). Last evaluated 2025-05-30.

Conditions:
Inborn genetic diseases. Identifiers: MedGen C0950123, MeSH D030342.
Autosomal dominant childhood-onset proximal spinal muscular atrophy with contractures (SMALED2A). Also called: SPINAL MUSCULAR ATROPHY, LOWER EXTREMITY-PREDOMINANT, 2A, CHILDHOOD ONSET, AUTOSOMAL DOMINANT; Spinal muscular atrophy, lower extremity-predominant, 2A, autosomal dominant. Identifiers: Orphanet 363447, Orphanet 363454, MedGen C4747715, MONDO:0014121, OMIM 615290.

Allele frequency attached by ClinVar (database versions not stated): gnomAD exomes 0.00002 and 0.00004; TOPMed 0.00002; gnomAD 0.00003 and 0.00005; ExAC 0.00006; 1000 Genomes Project 30x 0.00016; 1000 Genomes Project 0.00020.
gnomAD v4.1: 35 of 1,608,954 alleles (0.0022%); highest among the groups gnomAD compares: Middle Eastern, 0.038%; no homozygotes.

Submissions (4):

Ambry Genetics
Classification: Likely benign for Inborn genetic diseases. Last evaluated: 2025-05-30. Review status: criteria provided, single submitter. Criteria: Ambry Variant Classification Scheme 2023. Collection method: clinical testing. Allele origin: germline.

Labcorp Genetics (formerly Invitae), Labcorp
Classification: Likely benign for Autosomal dominant childhood-onset proximal spinal muscular atrophy with contractures. Last evaluated: 2025-04-08. Review status: criteria provided, single submitter. Criteria: Invitae Variant Classification Sherloc (09022015). Collection method: clinical testing. Allele origin: germline.

CeGaT Center for Human Genetics Tuebingen
Classification: Likely benign. Last evaluated: 2021-02-01. Review status: criteria provided, single submitter. Criteria: CeGaT Center For Human Genetics Tuebingen Variant Classification Criteria Version 2. Collection method: clinical testing. Allele origin: germline. Affected: yes. Observed: 1 variant allele.

GeneDx
Classification: Likely benign. Last evaluated: 2017-07-11. Review status: criteria provided, single submitter. Criteria: GeneDx Variant Classification (06012015). Collection method: clinical testing. Allele origin: germline. Affected: yes.
Comment: This variant is considered likely benign or benign based on one or more of the following criteria: it is a conservative change, it occurs at a poorly conserved position in the protein, it is predicted to be benign by multiple in silico algorithms, and/or has population frequency not consistent with disease.

NM_001003800.2(BICD2):c.1707C>T (p.Pro569=)

Gene: BICD2 (BICD cargo adaptor 2; minus strand). Cytogenetic location: 9q22.31.
Variant type: single nucleotide variant.
Coding change: c.1707C>T on transcript NM_001003800.2 (MANE Select); coding-DNA position 1707, C replaced by T.
Protein change: p.Pro569=; no amino-acid change (proline 569 retained).
Molecular consequence: synonymous variant.
Genome position (GRCh38, 1-based): chr9:92,718,938, G>A on the plus strand (C>T on the coding strand, the complement: BICD2 is on the minus strand). VCF-style: chr9-92718938-G-A. GRCh37 (hg19) VCF-style: chr9-95481220-G-A.
Other names: c.1707C>T, p.Pro569= (NM_015250.4).
Identifiers: ClinVar variation 510705 (VCV000510705.42), dbSNP rs552160043, ClinGen allele CA5126507.